The following is an entry in ClinVar:

ClinVar aggregate classification (germline): Uncertain significance (1 of 4 stars; one submission).

Conditions:
Spastic paraplegia. Identifiers: MedGen C0037772, HP:0001258.

Allele frequency attached by ClinVar (database versions not stated): gnomAD exomes below 0.00001.
gnomAD v4.1: 1 of 1,211,156 alleles (0.000083%); highest among the groups gnomAD compares: South Asian, 0.0018%; no homozygotes.

Submission:

Labcorp Genetics (formerly Invitae), Labcorp
Classification: Uncertain significance for Spastic paraplegia. Last evaluated: 2022-12-31. Review status: criteria provided, single submitter. Criteria: Invitae Variant Classification Sherloc (09022015). Collection method: clinical testing. Allele origin: germline.
Comment: This sequence change replaces serine, which is neutral and polar, with glycine, which is neutral and non-polar, at codon 1356 of the KDM5C protein (p.Ser1356Gly). This variant is not present in population databases (gnomAD no frequency). In summary, the available evidence is currently insufficient to determine the role of this variant in disease. Therefore, it has been classified as a Variant of Uncertain Significance. Advanced modeling of protein sequence and biophysical properties (such as structural, functional, and spatial information, amino acid conservation, physicochemical variation, residue mobility, and thermodynamic stability) performed at Invitae indicates that this missense variant is not expected to disrupt KDM5C protein function. This variant has not been reported in the literature in individuals affected with KDM5C-related conditions.

NM_004187.5(KDM5C):c.4066A>G (p.Ser1356Gly)

Gene: KDM5C (lysine demethylase 5C; minus strand). Cytogenetic location: Xp11.22.
Variant type: single nucleotide variant.
Coding change: c.4066A>G on transcript NM_004187.5 (MANE Select); coding-DNA position 4066, A replaced by G.
Protein change: p.Ser1356Gly; replaces serine 1356 with glycine.
Molecular consequence: missense variant. On other transcripts: non-coding transcript variant (3).
Genome position (GRCh38, 1-based): chrX:53,193,824, T>C on the plus strand (A>G on the coding strand, the complement: KDM5C is on the minus strand). VCF-style: chrX-53193824-T-C. GRCh37 (hg19) VCF-style: chrX-53223006-T-C.
Other names: c.3865A>G, p.Ser1289Gly (NM_001146702.2); c.4063A>G, p.Ser1355Gly (NM_001282622.3, NM_001353979.2, NM_001353982.2); c.4066A>G, p.Ser1356Gly (NM_001353978.3, NM_001353981.2, NM_001353984.2); short protein forms S1289G, S1355G, S1356G.
Identifiers: ClinVar variation 2723977 (VCV002723977.3), dbSNP rs2519368807, ClinGen allele CA413105558.